The following is an entry in ClinVar:

ClinVar aggregate classification (germline): Uncertain significance (1 of 4 stars; one submission).

Conditions:
Early-infantile DEE. Also called: Early infantile epileptic encephalopathy; Ohtahara syndrome; Early infantile epileptic encephalopathy with suppression bursts. Identifiers: Orphanet 1934, MedGen C0393706, MONDO:0800491.

gnomAD v4.1: 1 of 1,613,780 alleles (0.000062%); highest among the groups gnomAD compares: Non-Finnish European, 0.000085%; no homozygotes.

Submission:

Labcorp Genetics (formerly Invitae), Labcorp
Classification: Uncertain significance for Early-infantile DEE. Last evaluated: 2024-02-13. Review status: criteria provided, single submitter. Criteria: Invitae Variant Classification Sherloc (09022015). Collection method: clinical testing. Allele origin: germline.
Comment: This sequence change replaces serine, which is neutral and polar, with isoleucine, which is neutral and non-polar, at codon 1073 of the SCN8A protein (p.Ser1073Ile). This variant is not present in population databases (gnomAD no frequency). This variant has not been reported in the literature in individuals affected with SCN8A-related conditions. Advanced modeling of protein sequence and biophysical properties (such as structural, functional, and spatial information, amino acid conservation, physicochemical variation, residue mobility, and thermodynamic stability) performed at Invitae indicates that this missense variant is not expected to disrupt SCN8A protein function with a negative predictive value of 95%. In summary, the available evidence is currently insufficient to determine the role of this variant in disease. Therefore, it has been classified as a Variant of Uncertain Significance.

NM_001330260.2(SCN8A):c.3218G>T (p.Ser1073Ile)

Gene: SCN8A (sodium voltage-gated channel alpha subunit 8; plus strand). Cytogenetic location: 12q13.13.
Variant type: single nucleotide variant.
Coding change: c.3218G>T on transcript NM_001330260.2 (MANE Select); coding-DNA position 3218, G replaced by T.
Protein change: p.Ser1073Ile; replaces serine 1073 with isoleucine.
Molecular consequence: missense variant.
Genome position (GRCh38, 1-based): chr12:51,769,181, G>T. VCF-style: chr12-51769181-G-T. GRCh37 (hg19) VCF-style: chr12-52162965-G-T.
Other names: c.3218G>T, p.Ser1073Ile (NM_001177984.3, NM_001369788.1, NM_014191.4); short protein forms S1073I.
Identifiers: ClinVar variation 3635195 (VCV003635195.2).